The following is an entry in ClinVar:

NM_000361.3(THBD):c.922T>A (p.Cys308Ser)

Gene: THBD (thrombomodulin; minus strand). Cytogenetic location: 20p11.21.
Variant type: single nucleotide variant.
Coding change: c.922T>A on transcript NM_000361.3 (MANE Select); coding-DNA position 922, T replaced by A.
Protein change: p.Cys308Ser; replaces cysteine 308 with serine.
Molecular consequence: missense variant.
Genome position (GRCh38, 1-based): chr20:23,048,583, A>T on the plus strand (T>A on the coding strand, the complement: THBD is on the minus strand). VCF-style: chr20-23048583-A-T. GRCh37 (hg19) VCF-style: chr20-23029220-A-T.
Other names: short protein forms C308S.
Identifiers: ClinVar variation 3667128 (VCV003667128.2).

ClinVar aggregate classification (germline): Uncertain significance (1 of 4 stars; one submission).

Submission:

Labcorp Genetics (formerly Invitae), Labcorp
Classification: Uncertain significance. Last evaluated: 2024-12-15. Review status: criteria provided, single submitter. Criteria: Invitae Variant Classification Sherloc (09022015). Collection method: clinical testing. Allele origin: germline.
Comment: This sequence change replaces cysteine, which is neutral and slightly polar, with serine, which is neutral and polar, at codon 308 of the THBD protein (p.Cys308Ser). This variant is not present in population databases (gnomAD no frequency). This variant has not been reported in the literature in individuals affected with THBD-related conditions. Invitae Evidence Modeling of protein sequence and biophysical properties (such as structural, functional, and spatial information, amino acid conservation, physicochemical variation, residue mobility, and thermodynamic stability) indicates that this missense variant is expected to disrupt THBD protein function with a positive predictive value of 80%. In summary, the available evidence is currently insufficient to determine the role of this variant in disease. Therefore, it has been classified as a Variant of Uncertain Significance.